The following is an entry in ClinVar:

ClinVar aggregate classification (germline): Uncertain significance (1 of 4 stars; one submission).

Submission:

GeneDx
Classification: Uncertain significance. Last evaluated: 2025-04-18. Review status: criteria provided, single submitter. Criteria: GeneDx Variant Classification Process June 2021. Collection method: clinical testing. Allele origin: germline. Affected: yes.
Comment: Not observed at significant frequency in large population cohorts (gnomAD); In silico analysis supports that this missense variant has a deleterious effect on protein structure/function; Has not been previously published as pathogenic or benign to our knowledge

NM_015030.2(FRYL):c.8192T>C (p.Phe2731Ser)

Gene: FRYL (FRY like transcription coactivator; minus strand). Cytogenetic location: 4p11.
Variant type: single nucleotide variant.
Coding change: c.8192T>C on transcript NM_015030.2 (MANE Select); coding-DNA position 8192, T replaced by C.
Protein change: p.Phe2731Ser; replaces phenylalanine 2731 with serine.
Molecular consequence: missense variant.
Genome position (GRCh38, 1-based): chr4:48,510,938, A>G on the plus strand (T>C on the coding strand, the complement: FRYL is on the minus strand). VCF-style: chr4-48510938-A-G. GRCh37 (hg19) VCF-style: chr4-48512955-A-G.
Other names: short protein forms F2731S.
Identifiers: ClinVar variation 4527106 (VCV004527106.1).